The following is an entry in ClinVar:

ClinVar aggregate classification (germline): Benign/Likely benign. Review status: criteria provided, multiple submitters, no conflicts (2 of 4 stars). 3 submissions from 3 submitters: Benign (1); Likely benign (2). Last evaluated 2025-03-21.

Conditions:
Juvenile polyposis syndrome (JPS). Identifiers: Orphanet 2929, MedGen C0345893, MONDO:0017380, OMIM 174900.
Familial thoracic aortic aneurysm and aortic dissection (TAAD). Also called: Thoracic aortic aneurysms and dissections. Identifiers: Orphanet 91387, MedGen C4707243, MONDO:0019625.
Hereditary cancer-predisposing syndrome. Also called: Neoplastic Syndromes, Hereditary; Hereditary neoplastic syndrome; Hereditary Cancer Syndrome; Tumor predisposition. Identifiers: Orphanet 140162, MedGen C0027672, MeSH D009386, MONDO:0015356.
Juvenile polyposis/hereditary hemorrhagic telangiectasia syndrome (JPHT). Also called: JP/HHT SYNDROME; JUVENILE POLYPOSIS WITH HEREDITARY HEMORRHAGIC TELANGIECTASIA; POLYPOSIS, GENERALIZED JUVENILE, WITH PULMONARY ARTERIOVENOUS MALFORMATION; TELANGIECTASIA, HEREDITARY HEMORRHAGIC, WITH JUVENILE POLYPOSIS COLI; Juvenile Polyposis Syndrome / Hereditary Hemorrhagic Telangiectasia (JPS/HHT). Identifiers: Orphanet 2929, MedGen C1832942, MONDO:0008278, OMIM 175050.

gnomAD v4.1: 3 of 1,612,692 alleles (0.00019%); highest among the groups gnomAD compares: Non-Finnish European, 0.00025%; no homozygotes.

Submissions (3):

Myriad Genetics, Inc.
Classification: Benign for Juvenile polyposis/hereditary hemorrhagic telangiectasia syndrome. Last evaluated: 2025-03-21. Review status: criteria provided, single submitter. Criteria: Myriad Autosomal Dominant, Autosomal Recessive and X-Linked Classification Criteria (2023). Collection method: clinical testing. Allele origin: unknown.
Comment: This variant is considered benign. This variant is a silent/synonymous amino acid change and it is not expected to impact splicing.

Labcorp Genetics (formerly Invitae), Labcorp
Classification: Likely benign for Juvenile polyposis syndrome. Last evaluated: 2025-03-03. Review status: criteria provided, single submitter. Criteria: Invitae Variant Classification Sherloc (09022015). Collection method: clinical testing. Allele origin: germline.

Ambry Genetics
Classification: Likely benign for Hereditary cancer-predisposing syndrome; Familial thoracic aortic aneurysm and aortic dissection. Last evaluated: 2018-11-28. Review status: criteria provided, single submitter. Criteria: Ambry Variant Classification Scheme 2023. Collection method: clinical testing. Allele origin: germline.

NM_005359.6(SMAD4):c.1206T>C (p.Leu402=)

Gene: SMAD4 (SMAD family member 4; plus strand). Cytogenetic location: 18q21.2.
Variant type: single nucleotide variant.
Coding change: c.1206T>C on transcript NM_005359.6 (MANE Select); coding-DNA position 1206, T replaced by C.
Protein change: p.Leu402=; no amino-acid change (leucine 402 retained).
Molecular consequence: synonymous variant.
Genome position (GRCh38, 1-based): chr18:51,067,085, T>C. VCF-style: chr18-51067085-T-C. GRCh37 (hg19) VCF-style: chr18-48593455-T-C.
Identifiers: ClinVar variation 818584 (VCV000818584.14), dbSNP rs758696549, ClinGen allele CA8966022.